The following is an entry in ClinVar:

Conditions:
Long QT syndrome 5 (LQT5). Identifiers: Orphanet 101016, Orphanet 768, MedGen C1867904, MONDO:0013372, OMIM 613695.

Submission:

Roden Lab, Vanderbilt University Medical Center
No classification provided (evidence only). Condition: Long QT syndrome 5. Review status: no classification provided. Collection method: in vitro. Allele origin: not applicable. Functional consequence: Effect on ion channel function.
ClinVar note: "not provided" was previously submitted as the classification for the variant. However, the classification appeared to be based only on an observation of functional data so it was converted to no classification on 2025-07-30.

NM_000219.6(KCNE1):c.132C>T (p.Ala44=)

Gene: KCNE1 (potassium voltage-gated channel subfamily E regulatory subunit 1; minus strand). Cytogenetic location: 21q22.12.
Variant type: single nucleotide variant.
Coding change: c.132C>T on transcript NM_000219.6 (MANE Select); coding-DNA position 132, C replaced by T.
Protein change: p.Ala44=; no amino-acid change (alanine 44 retained).
Molecular consequence: synonymous variant.
Genome position (GRCh38, 1-based): chr21:34,449,503, G>A on the plus strand (C>T on the coding strand, the complement: KCNE1 is on the minus strand). VCF-style: chr21-34449503-G-A. GRCh37 (hg19) VCF-style: chr21-35821801-G-A.
Other names: c.132C>T, p.Ala44= (NM_001127668.4, NM_001127669.4, NM_001127670.4 and 4 more transcripts).
Identifiers: ClinVar variation 3374132 (VCV003374132.2).